The following is an entry in ClinVar:

ClinVar aggregate classification (germline): Uncertain significance (1 of 4 stars; one submission).

Conditions:
Hypertrophic cardiomyopathy. Also called: HYPERTROPHIC MYOCARDIOPATHY. Identifiers: Orphanet 217569, MedGen C0007194, MeSH D002312, MONDO:0005045, HP:0001639.

gnomAD v4.1: 1 of 1,613,980 alleles (0.000062%); no homozygotes.

Submission:

Labcorp Genetics (formerly Invitae), Labcorp
Classification: Uncertain significance for Hypertrophic cardiomyopathy. Last evaluated: 2020-06-04. Review status: criteria provided, single submitter. Criteria: Invitae Variant Classification Sherloc (09022015). Collection method: clinical testing. Allele origin: germline.
Comment: In summary, the available evidence is currently insufficient to determine the role of this variant in disease. Therefore, it has been classified as a Variant of Uncertain Significance. Algorithms developed to predict the effect of missense changes on protein structure and function are either unavailable or do not agree on the potential impact of this missense change (SIFT: "Deleterious"; PolyPhen-2: "Probably Damaging"; Align-GVGD: "Class C15"). This variant has not been reported in the literature in individuals with MYBPC3-related conditions. This variant is not present in population databases (ExAC no frequency). This sequence change replaces phenylalanine with leucine at codon 736 of the MYBPC3 protein (p.Phe736Leu). The phenylalanine residue is highly conserved and there is a small physicochemical difference between phenylalanine and leucine.

NM_000256.3(MYBPC3):c.2208C>A (p.Phe736Leu)

Gene: MYBPC3 (myosin binding protein C3; minus strand). Cytogenetic location: 11p11.2.
Variant type: single nucleotide variant.
Coding change: c.2208C>A on transcript NM_000256.3 (MANE Select); coding-DNA position 2208, C replaced by A.
Protein change: p.Phe736Leu; replaces phenylalanine 736 with leucine.
Molecular consequence: missense variant.
Genome position (GRCh38, 1-based): chr11:47,338,620, G>T on the plus strand (C>A on the coding strand, the complement: MYBPC3 is on the minus strand). VCF-style: chr11-47338620-G-T. GRCh37 (hg19) VCF-style: chr11-47360171-G-T.
Other names: short protein forms F736L.
Identifiers: ClinVar variation 1025002 (VCV001025002.8), dbSNP rs2095885039, ClinGen allele CA380320432.